The following is an entry in ClinVar:

NM_017763.6(RNF43):c.1908C>T (p.Thr636=)

Gene: RNF43 (ring finger protein 43; minus strand). Cytogenetic location: 17q22.
Variant type: single nucleotide variant.
Coding change: c.1908C>T on transcript NM_017763.6 (MANE Select); coding-DNA position 1908, C replaced by T.
Protein change: p.Thr636=; no amino-acid change (threonine 636 retained).
Molecular consequence: synonymous variant.
Genome position (GRCh38, 1-based): chr17:58,357,868, G>A on the plus strand (C>T on the coding strand, the complement: RNF43 is on the minus strand). VCF-style: chr17-58357868-G-A. GRCh37 (hg19) VCF-style: chr17-56435229-G-A.
Other names: c.1527C>T, p.Thr509= (NM_001437987.1, NM_001305545.2); c.1908C>T, p.Thr636= (NM_001438820.1, NM_001438821.1, NM_001438822.1 and 1 more transcripts).
Identifiers: ClinVar variation 4578973 (VCV004578973.2).
Genomic context (GRCh38, chr17:58,357,868, plus strand): 5'-CCTTTTCCTCTGTGGGTGTCGGGCAGAGAGGCTGGATTTTTGCAAGTTGAACAGACTGCT[G>A]GTACTGGGGCAGATGCTGGAGGCGTCAACTGGGCCAGGGGCTGGCTCAGGGAGGGCCCTG-3'
Protein context (NP_060233.3, residues 626-646): PVDASSICPS[Thr636=]SSLFNLQKSS

ClinVar aggregate classification (germline): Benign/Likely benign. Review status: criteria provided, multiple submitters, no conflicts (2 of 4 stars). 2 submissions from 2 submitters: Benign (1); Likely benign (1). Last evaluated 2026-07-02.

Conditions:
Sessile serrated polyposis cancer syndrome (SSPCS). Identifiers: Orphanet 157798, MedGen C4310714, MONDO:0014919, OMIM 617108.

gnomAD v4.1: 1 of 1,614,038 alleles (0.000062%); highest among the groups gnomAD compares: Non-Finnish European, 0.000085%; no homozygotes.

Submissions (2):

Myriad Genetics, Inc.
Classification: Benign for Sessile serrated polyposis cancer syndrome. Last evaluated: 2026-07-02. Review status: criteria provided, single submitter. Criteria: Myriad Autosomal Dominant, Autosomal Recessive and X-Linked Classification Criteria (2023). Collection method: clinical testing. Allele origin: unknown.
Comment: This variant is considered benign. This variant is a silent/synonymous amino acid change and it is not expected to impact splicing.

Ambry Genetics
Classification: Likely benign. Last evaluated: 2025-10-22. Review status: criteria provided, single submitter. Criteria: Ambry Variant Classification Scheme 2023. Collection method: clinical testing. Allele origin: germline.